The following is an entry in ClinVar:

ClinVar aggregate classification (germline): Likely pathogenic (1 of 4 stars; one submission).

Conditions:
Multiple endocrine neoplasia, type 1 (MEN1). Also called: Endocrine adenomatosis multiple; MEN 1; MEA I; MEN I; WERMER SYNDROME. Identifiers: Orphanet 652, MedGen C0025267, MeSH D018761, MONDO:0007540, OMIM 131100.

Submission:

Labcorp Genetics (formerly Invitae), Labcorp
Classification: Likely pathogenic for Multiple endocrine neoplasia, type 1. Last evaluated: 2022-02-09. Review status: criteria provided, single submitter. Criteria: Invitae Variant Classification Sherloc (09022015). Collection method: clinical testing. Allele origin: germline.
Comment: This variant disrupts the NLS2 domain of the MEN1 protein, which is important for DNA binding and repression of cell proliferation (PMID: 15331604, 16449969). While functional studies have not been performed to directly test the effect of this variant on MEN1 protein function, this suggests that disruption of this region of the protein is causative of disease. This sequence change creates a premature translational stop signal (p.Gln586*) in the MEN1 gene. While this is not anticipated to result in nonsense mediated decay, it is expected to disrupt the last 25 amino acid(s) of the MEN1 protein. This variant is not present in population databases (gnomAD no frequency). This variant has not been reported in the literature in individuals affected with MEN1-related conditions. In summary, the currently available evidence indicates that the variant is pathogenic, but additional data are needed to prove that conclusively. Therefore, this variant has been classified as Likely Pathogenic.

Literature cited by the submitters: PubMed 15331604; PubMed 16449969.

NM_001370259.2(MEN1):c.1756C>T (p.Gln586Ter)

Gene: MEN1 (menin 1; minus strand). Cytogenetic location: 11q13.1.
Variant type: single nucleotide variant.
Coding change: c.1756C>T on transcript NM_001370259.2 (MANE Select); coding-DNA position 1756, C replaced by T.
Protein change: p.Gln586Ter; replaces glutamine 586 with a stop codon.
Molecular consequence: nonsense.
Genome position (GRCh38, 1-based): chr11:64,804,411, G>A on the plus strand (C>T on the coding strand, the complement: MEN1 is on the minus strand). VCF-style: chr11-64804411-G-A. GRCh37 (hg19) VCF-style: chr11-64571883-G-A.
Other names: c.1771C>T, p.Gln591Ter (NM_000244.4, NM_130800.3, NM_130801.3 and 4 more transcripts); c.1882C>T, p.Gln628Ter (NM_001370251.2, NM_001407142.1, NM_001407143.1 and 1 more transcripts); c.1756C>T, p.Gln586Ter (NM_001370260.2, NM_001370261.2, NM_130799.3 and 2 more transcripts); c.1651C>T, p.Gln551Ter (NM_001370262.2, NM_001370263.2, NM_001407148.1 and 1 more transcripts); c.1897C>T, p.Gln633Ter (NM_001407150.1); c.1777C>T, p.Gln593Ter (NM_001407151.1); c.1591C>T, p.Gln531Ter (NM_001407152.1); short protein forms Q531*, Q586*, Q591*, Q628*, Q551*, Q593*, Q633*.
Identifiers: ClinVar variation 2095800 (VCV002095800.4), dbSNP rs2136078405, ClinGen allele CA381177432.